The following is an entry in ClinVar:

ClinVar aggregate classification (germline): Uncertain significance. Review status: criteria provided, multiple submitters, no conflicts (2 of 4 stars). 2 submissions from 2 submitters: Uncertain significance (2). Last evaluated 2025-08-03.

Conditions:
CHD1L-related disorder. Also called: CHD1L-related condition.

Allele frequency attached by ClinVar (database versions not stated): gnomAD 0.00001; ExAC 0.00002; TOPMed 0.00002.
gnomAD v4.1: 24 of 1,612,500 alleles (0.0015%); highest among the groups gnomAD compares: Non-Finnish European, 0.0019%; no homozygotes.

Submissions (2):

Ambry Genetics
Classification: Uncertain significance. Last evaluated: 2025-08-03. Review status: criteria provided, single submitter. Criteria: Ambry Variant Classification Scheme 2023. Collection method: clinical testing. Allele origin: germline.

PreventionGenetics, part of Exact Sciences
Classification: Uncertain significance for CHD1L-related condition. Last evaluated: 2023-10-10. Review status: criteria provided, single submitter. Criteria: ACMG Guidelines, 2015. Collection method: clinical testing. Allele origin: germline.
Comment: The CHD1L c.1781A>C variant is predicted to result in the amino acid substitution p.Gln594Pro. To our knowledge, this variant has not been reported in the literature. This variant is reported in 0.0018% of alleles in individuals of European (Non-Finnish) descent in gnomAD. At this time, the clinical significance of this variant is uncertain due to the absence of conclusive functional and genetic evidence.

NM_004284.6(CHD1L):c.1781A>C (p.Gln594Pro)

Gene: CHD1L (chromodomain helicase DNA binding protein 1 like; plus strand). Cytogenetic location: 1q21.1.
Variant type: single nucleotide variant.
Coding change: c.1781A>C on transcript NM_004284.6 (MANE Select); coding-DNA position 1781, A replaced by C.
Protein change: p.Gln594Pro; replaces glutamine 594 with proline.
Molecular consequence: missense variant. On other transcripts: non-coding transcript variant (16).
Genome position (GRCh38, 1-based): chr1:147,284,426, A>C. VCF-style: chr1-147284426-A-C. GRCh37 (hg19) VCF-style: chr1-146756099-A-C.
Other names: c.1481A>C, p.Gln494Pro (NM_001256336.3); c.938A>C, p.Gln313Pro (NM_001256337.3, NM_001348456.2, NM_001348457.2 and 9 more transcripts); c.1169A>C, p.Gln390Pro (NM_001256338.3); c.1565A>C, p.Gln522Pro (NM_001348451.2, NM_001348452.2); c.1442A>C, p.Gln481Pro (NM_001348453.2, NM_024568.4); c.1325A>C, p.Gln442Pro (NM_001348454.2); c.1292A>C, p.Gln431Pro (NM_001348455.2); c.1781A>C (NM_004284.4); short protein forms Q522P, Q313P, Q431P, Q481P, Q494P, Q390P, Q442P, Q594P.
Identifiers: ClinVar variation 2209513 (VCV002209513.4), dbSNP rs782565499, ClinGen allele CA1063833.